The following is an entry in ClinVar:

NM_006031.6(PCNT):c.1454del (p.Ser485fs)

Gene: PCNT (pericentrin; plus strand). Cytogenetic location: 21q22.3.
Variant type: Deletion.
Coding change: c.1454del on transcript NM_006031.6 (MANE Select); coding-DNA position 1454, one base deleted (G; older notation c.1454delG).
Protein change: p.Ser485fs; shifts the reading frame from serine 485.
Molecular consequence: frameshift variant.
Genome position (GRCh38, 1-based): chr21:46,351,538, G deleted. VCF-style (leftmost placement, unchanged base first): chr21-46351537-AG-A. GRCh37 (hg19) VCF-style: chr21-47771451-AG-A.
Other names: c.1100del, p.Ser367fs (NM_001315529.2); short protein forms S367fs, S485fs.
Identifiers: ClinVar variation 2710300 (VCV002710300.3), dbSNP rs2518099852, ClinGen allele CA2697547647.

ClinVar aggregate classification (germline): Pathogenic (1 of 4 stars; one submission).

Submission:

Labcorp Genetics (formerly Invitae), Labcorp
Classification: Pathogenic. Last evaluated: 2024-01-19. Review status: criteria provided, single submitter. Criteria: Invitae Variant Classification Sherloc (09022015). Collection method: clinical testing. Allele origin: germline.
Comment: This sequence change creates a premature translational stop signal (p.Ser485Metfs*17) in the PCNT gene. It is expected to result in an absent or disrupted protein product. Loss-of-function variants in PCNT are known to be pathogenic (PMID: 18174396, 22821869). This variant is not present in population databases (gnomAD no frequency). This variant has not been reported in the literature in individuals affected with PCNT-related conditions. For these reasons, this variant has been classified as Pathogenic.

Literature cited by the submitters: PubMed 18174396; PubMed 22821869.